The following is an entry in ClinVar:

NM_032578.4(MYPN):c.1483+11T>C

Gene: MYPN (myopalladin; plus strand). Cytogenetic location: 10q21.3.
Variant type: single nucleotide variant.
Coding change: c.1483+11T>C on transcript NM_032578.4 (MANE Select); 11 bases into the intron after coding-DNA position 1483, T replaced by C.
Molecular consequence: intron variant.
Genome position (GRCh38, 1-based): chr10:68,161,763, T>C. VCF-style: chr10-68161763-T-C. GRCh37 (hg19) VCF-style: chr10-69921520-T-C.
Other names: c.1483+11T>C (NM_001256267.2); c.601+11T>C (NM_001256268.2).
Identifiers: ClinVar variation 381322 (VCV000381322.5), dbSNP rs765156367, ClinGen allele CA5522568.

ClinVar aggregate classification (germline): Likely benign. Review status: criteria provided, multiple submitters, no conflicts (2 of 4 stars). 2 submissions from 2 submitters: Likely benign (2). Last evaluated 2025-12-24.

Conditions:
Dilated cardiomyopathy 1KK (CMD1KK). Identifiers: Orphanet 154, Orphanet 75249, MedGen C3714995, MONDO:0014100, OMIM 615248.

Allele frequency attached by ClinVar (database versions not stated): ExAC 0.00001; gnomAD exomes 0.00001; TOPMed 0.00010; gnomAD 0.00011 and 0.00013.
gnomAD v4.1: 26 of 1,599,536 alleles (0.0016%); highest among the groups gnomAD compares: African/African-American, 0.035%; no homozygotes.

Submissions (2):

Labcorp Genetics (formerly Invitae), Labcorp
Classification: Likely benign for Dilated cardiomyopathy 1KK. Last evaluated: 2025-12-24. Review status: criteria provided, single submitter. Criteria: Invitae Variant Classification Sherloc (09022015). Collection method: clinical testing. Allele origin: germline.

GeneDx
Classification: Likely benign. Last evaluated: 2015-11-10. Review status: criteria provided, single submitter. Criteria: GeneDx Variant Classification (06012015). Collection method: clinical testing. Allele origin: germline. Affected: yes.
Comment: This variant is considered likely benign or benign based on one or more of the following criteria: it is a conservative change, it occurs at a poorly conserved position in the protein, it is predicted to be benign by multiple in silico algorithms, and/or has population frequency not consistent with disease.